The following is an entry in ClinVar:

NM_000135.4(FANCA):c.3878A>C (p.Glu1293Ala)

Genes: ZNF276 (zinc finger protein 276; plus strand), FANCA (FA complementation group A; minus strand). Cytogenetic location: 16q24.3.
Variant type: single nucleotide variant.
Coding change: c.3878A>C on transcript NM_000135.4 (MANE Select); coding-DNA position 3878, A replaced by C.
Protein change: p.Glu1293Ala; replaces glutamic acid 1293 with alanine.
Molecular consequence: missense variant. On other transcripts: 3 prime UTR variant (2), non-coding transcript variant (4).
Genome position (GRCh38, 1-based): chr16:89,740,050, T>G on the plus strand (A>C on the coding strand, the complement: FANCA is on the minus strand). VCF-style: chr16-89740050-T-G. GRCh37 (hg19) VCF-style: chr16-89806458-T-G.
Other names: c.3878A>C, p.Glu1293Ala (NM_001286167.3); c.*1804T>G (NM_001113525.2, NM_152287.4); short protein forms E1293A.
Identifiers: ClinVar variation 4870836 (VCV004870836.1).

ClinVar aggregate classification (germline): Uncertain significance (1 of 4 stars; one submission).

Conditions:
Inborn genetic diseases. Identifiers: MedGen C0950123, MeSH D030342.

Submission:

Ambry Genetics
Classification: Uncertain significance for Inborn genetic diseases. Last evaluated: 2026-04-13. Review status: criteria provided, single submitter. Criteria: Ambry Variant Classification Scheme 2023. Collection method: clinical testing. Allele origin: germline.
Comment: The p.E1293A variant (also known as c.3878A>C), located in coding exon 39 of the FANCA gene, results from an A to C substitution at nucleotide position 3878. The glutamic acid at codon 1293 is replaced by alanine, an amino acid with dissimilar properties. This amino acid position is conserved. In addition, this alteration is predicted to be tolerated by in silico analysis. Based on the available evidence, the clinical significance of this variant remains unclear.